The following is an entry in ClinVar:

ClinVar aggregate classification (germline): Uncertain significance (1 of 4 stars; one submission).

Submission:

GeneDx
Classification: Uncertain significance. Last evaluated: 2026-03-12. Review status: criteria provided, single submitter. Criteria: GeneDx Variant Classification Process June 2021. Collection method: clinical testing. Allele origin: germline.
Comment: Not observed at significant frequency in large population cohorts (gnomAD); In silico analysis supports that this missense variant has a deleterious effect on protein structure/function; Has not been previously published as pathogenic or benign to our knowledge

NM_001127222.2(CACNA1A):c.4573A>C (p.Ser1525Arg)

Gene: CACNA1A (calcium voltage-gated channel subunit alpha1 A; minus strand). Cytogenetic location: 19p13.13.
Variant type: single nucleotide variant.
Coding change: c.4573A>C on transcript NM_001127222.2 (MANE Select); coding-DNA position 4573, A replaced by C.
Protein change: p.Ser1525Arg; replaces serine 1525 with arginine.
Molecular consequence: missense variant.
Genome position (GRCh38, 1-based): chr19:13,257,367, T>G on the plus strand (A>C on the coding strand, the complement: CACNA1A is on the minus strand). VCF-style: chr19-13257367-T-G. GRCh37 (hg19) VCF-style: chr19-13368181-T-G.
Other names: c.4585A>C, p.Ser1529Arg (NM_000068.4, NM_023035.3); c.4576A>C, p.Ser1526Arg (NM_001127221.2, NM_001174080.2); short protein forms S1525R, S1526R, S1529R.
Identifiers: ClinVar variation 3366224 (VCV003366224.2).